The following is an entry in ClinVar:

NM_004360.5(CDH1):c.299T>C (p.Val100Ala)

Gene: CDH1 (cadherin 1; plus strand). Cytogenetic location: 16q22.1.
Variant type: single nucleotide variant.
Coding change: c.299T>C on transcript NM_004360.5 (MANE Select); coding-DNA position 299, T replaced by C.
Protein change: p.Val100Ala; replaces valine 100 with alanine.
Molecular consequence: missense variant. On other transcripts: 5 prime UTR variant (2).
Genome position (GRCh38, 1-based): chr16:68,801,805, T>C. VCF-style: chr16-68801805-T-C. GRCh37 (hg19) VCF-style: chr16-68835708-T-C.
Other names: c.299T>C (LRG_301t1); c.299T>C, p.Val100Ala (NM_001317184.2); c.-1317T>C (NM_001317185.2); c.-1521T>C (NM_001317186.2); short protein forms V100A.
Identifiers: ClinVar variation 479517 (VCV000479517.13), dbSNP rs1555514454, ClinGen allele CA396457338.

ClinVar aggregate classification (germline): Uncertain significance. Review status: criteria provided, multiple submitters, no conflicts (2 of 4 stars). 2 submissions from 2 submitters: Uncertain significance (2). Last evaluated 2023-12-07.

Conditions:
Hereditary cancer-predisposing syndrome. Also called: Tumor predisposition; Neoplastic Syndromes, Hereditary; Hereditary Cancer Syndrome; Hereditary neoplastic syndrome. Identifiers: Orphanet 140162, MedGen C0027672, MeSH D009386, MONDO:0015356.
Hereditary diffuse gastric adenocarcinoma (HDGC). Also called: DIFFUSE GASTRIC AND LOBULAR BREAST CANCER SYNDROME. Identifiers: Orphanet 26106, MedGen C1708349, MONDO:0007648, OMIM 137215.

Allele frequency attached by ClinVar (database versions not stated): gnomAD exomes below 0.00001.
gnomAD v4.1: 2 of 1,614,224 alleles (0.00012%); highest among the groups gnomAD compares: Non-Finnish European, 0.00017%; no homozygotes.

Submissions (2):

Labcorp Genetics (formerly Invitae), Labcorp
Classification: Uncertain significance for Hereditary diffuse gastric adenocarcinoma. Last evaluated: 2023-12-07. Review status: criteria provided, single submitter. Criteria: Invitae Variant Classification Sherloc (09022015). Collection method: clinical testing. Allele origin: germline.
Comment: This sequence change replaces valine, which is neutral and non-polar, with alanine, which is neutral and non-polar, at codon 100 of the CDH1 protein (p.Val100Ala). This variant is not present in population databases (gnomAD no frequency). This variant has not been reported in the literature in individuals affected with CDH1-related conditions. ClinVar contains an entry for this variant (Variation ID: 479517). An algorithm developed to predict the effect of missense changes on protein structure and function (PolyPhen-2) suggests that this variant is likely to be disruptive. In summary, the available evidence is currently insufficient to determine the role of this variant in disease. Therefore, it has been classified as a Variant of Uncertain Significance.

Ambry Genetics
Classification: Uncertain significance for Hereditary cancer-predisposing syndrome. Last evaluated: 2021-04-21. Review status: criteria provided, single submitter. Criteria: Ambry Variant Classification Scheme 2023. Collection method: clinical testing. Allele origin: germline.
Comment: The p.V100A variant (also known as c.299T>C), located in coding exon 3 of the CDH1 gene, results from a T to C substitution at nucleotide position 299. The valine at codon 100 is replaced by alanine, an amino acid with similar properties. This amino acid position is not well conserved in available vertebrate species. In addition, this alteration is predicted to be tolerated by in silico analysis. Since supporting evidence is limited at this time, the clinical significance of this alteration remains unclear.